The following is an entry in ClinVar:

ClinVar aggregate classification (germline): Pathogenic (1 of 4 stars; one submission).

Conditions:
Chédiak-Higashi syndrome (CHS). Also called: Chediak-Higashi Syndrome. Identifiers: Orphanet 167, MedGen C0007965, MONDO:0008963, OMIM 214500.

Submission:

Labcorp Genetics (formerly Invitae), Labcorp
Classification: Pathogenic for Chédiak-Higashi syndrome. Last evaluated: 2025-11-23. Review status: criteria provided, single submitter. Criteria: Invitae Variant Classification Sherloc (09022015). Collection method: clinical testing. Allele origin: germline.
Comment: This sequence change creates a premature translational stop signal (p.Gln198Asnfs*12) in the LYST gene. It is expected to result in an absent or disrupted protein product. Loss-of-function variants in LYST are known to be pathogenic (PMID: 9215679, 11857544). This variant is not present in population databases (gnomAD no frequency). This variant has not been reported in the literature in individuals affected with LYST-related conditions. For these reasons, this variant has been classified as Pathogenic.

Literature cited by the submitters: PubMed 9215679; PubMed 11857544.

NM_000081.4(LYST):c.590_591dup (p.Gln198fs)

Gene: LYST (lysosomal trafficking regulator; minus strand). Cytogenetic location: 1q42.3.
Variant type: Duplication.
Coding change: c.590_591dup on transcript NM_000081.4 (MANE Select); coding-DNA positions 590 to 591, 2 bases duplicated (AA; older notation c.590_591dupAA).
Protein change: p.Gln198fs; shifts the reading frame from glutamine 198.
Molecular consequence: frameshift variant.
Genome position (GRCh38, 1-based): chr1:235,810,227-235,810,228, TT duplicated on the plus strand (AA on the coding strand, the reverse complement: LYST is on the minus strand); duplicating any 2 consecutive bases within chr1:235,810,227-235,810,229 gives the same sequence; the c. name uses the placement nearest the transcript's 3' end. VCF-style (leftmost placement, unchanged base first): chr1-235810226-G-GTT. GRCh37 (hg19) VCF-style: chr1-235973526-G-GTT.
Other names: c.590_591dup, p.Gln198fs (NM_001301365.1); short protein forms Q198fs.
Identifiers: ClinVar variation 4731571 (VCV004731571.1).